The following is an entry in ClinVar:

NM_013451.4(MYOF):c.2141A>G (p.Asn714Ser)

Gene: MYOF (myoferlin; minus strand). Cytogenetic location: 10q23.33.
Variant type: single nucleotide variant.
Coding change: c.2141A>G on transcript NM_013451.4 (MANE Select); coding-DNA position 2141, A replaced by G.
Protein change: p.Asn714Ser; replaces asparagine 714 with serine.
Molecular consequence: missense variant.
Genome position (GRCh38, 1-based): chr10:93,374,923, T>C on the plus strand (A>G on the coding strand, the complement: MYOF is on the minus strand). VCF-style: chr10-93374923-T-C. GRCh37 (hg19) VCF-style: chr10-95134680-T-C.
Other names: c.2102A>G, p.Asn701Ser (NM_133337.3); short protein forms N701S, N714S.
Identifiers: ClinVar variation 2320008 (VCV002320008.5), dbSNP rs552853081, ClinGen allele CA5607950.
Genomic context (GRCh38, chr10:93,374,923, plus strand): 5'-TGTATTTGGGAGAGAGACCTGGACCGCAGCTTTCGGATCTGAGTATCGAGAACTGTGACG[T>C]TGGCTTTTCCTTCTGTGAGAGGCAACGTGTATCTAGAAAAATGAAGAAAAAAAGAAACAG-3'
Protein context (NP_038479.1, residues 704-724): YTLPLTEGKA[Asn714Ser]VTVLDTQIRK

ClinVar aggregate classification (germline): Uncertain significance. Review status: criteria provided, single submitter (1 of 4 stars). 2 submissions from 2 submitters: Uncertain significance (1). 1 of the submissions does not count toward it. Last evaluated 2024-06-16.

Conditions:
MYOF-related disorder. Also called: MYOF-related condition.

Allele frequency attached by ClinVar (database versions not stated): TOPMed 0.00003; gnomAD 0.00005; gnomAD exomes 0.00011; ExAC 0.00018; 1000 Genomes Project 30x 0.00031; 1000 Genomes Project 0.00040.
gnomAD v4.1: 159 of 1,613,866 alleles (0.0099%); highest among the groups gnomAD compares: South Asian, 0.16%; 2 homozygotes.

Submissions (2):

Ambry Genetics
Classification: Uncertain significance. Last evaluated: 2024-06-16. Review status: criteria provided, single submitter. Criteria: Ambry Variant Classification Scheme 2023. Collection method: clinical testing. Allele origin: germline.

PreventionGenetics, part of Exact Sciences
Classification: Likely benign for MYOF-related condition. Last evaluated: 2022-04-06. Review status: no assertion criteria provided. Collection method: clinical testing. Allele origin: germline. Not counted in ClinVar's aggregate classification.
Comment: This variant is classified as likely benign based on ACMG/AMP sequence variant interpretation guidelines (Richards et al. 2015 PMID: 25741868, with internal and published modifications).